The following is an entry in ClinVar:

ClinVar aggregate classification (germline): Uncertain significance (1 of 4 stars; one submission).

Conditions:
Spermatogenic failure 31. Identifiers: MedGen C4748234, MONDO:0020852, OMIM 618112.

Submission:

Juno Genomics, Hangzhou Juno Genomics, Inc
Classification: Uncertain significance for Spermatogenic failure 31. Review status: criteria provided, single submitter. Criteria: ACMG Guidelines, 2015. Collection method: clinical testing. Allele origin: germline. Affected: yes.
Comment: Absent from controls (or at extremely low frequency if recessive) in Genome Aggregation Database, Exome Sequencing Project, 1000 Genomes Project, or Exome Aggregation Consortium.;Multiple lines of computational evidence support a deleterious effect on the gene or gene product (conservation, evolutionary, splicing impact, etc).;Patient's phenotype or family history is highly specific for a disease with a single genetic etiology.

NM_031293.3(PMFBP1):c.2769-12T>A

Gene: PMFBP1 (polyamine modulated factor 1 binding protein 1; minus strand). Cytogenetic location: 16q22.2.
Variant type: single nucleotide variant.
Coding change: c.2769-12T>A on transcript NM_031293.3 (MANE Select); 12 bases into the intron before coding-DNA position 2769, T replaced by A.
Molecular consequence: intron variant. On other transcripts: synonymous variant (1).
Genome position (GRCh38, 1-based): chr16:72,120,101, A>T on the plus strand (T>A on the coding strand, the complement: PMFBP1 is on the minus strand). VCF-style: chr16-72120101-A-T. GRCh37 (hg19) VCF-style: chr16-72154000-A-T.
Other names: c.2382T>A, p.Ser794= (NM_001160213.2).
Identifiers: ClinVar variation 3381912 (VCV003381912.2).